The following is an entry in ClinVar:

NC_000015.10:g.89319351del

Gene: POLG (DNA polymerase gamma, catalytic subunit; minus strand). Cytogenetic location: 15q26.1.
Variant type: Deletion.
Genome position: GRCh38 VCF-style: chr15-89319349-AC-A. GRCh37 (hg19) VCF-style: chr15-89862580-AC-A.
Identifiers: ClinVar variation 2866014 (VCV002866014.3), dbSNP rs1314787391, ClinGen allele CA619511838.

ClinVar aggregate classification (germline): Pathogenic (1 of 4 stars; one submission).

Conditions:
Progressive sclerosing poliodystrophy (MTDPS4A). Also called: Mitochondrial DNA depletion syndrome 4A (Alpers type); ALPERS PROGRESSIVE INFANTILE POLIODYSTROPHY; NEURONAL DEGENERATION OF CHILDHOOD WITH LIVER DISEASE, PROGRESSIVE; Alpers Syndrome; ALPERS DIFFUSE DEGENERATION OF CEREBRAL GRAY MATTER WITH HEPATIC CIRRHOSIS; Alpers-Huttenlocher Syndrome. Identifiers: Orphanet 726, MedGen C0205710, MONDO:0008758, OMIM 203700.

Submission:

Labcorp Genetics (formerly Invitae), Labcorp
Classification: Pathogenic for Progressive sclerosing poliodystrophy. Last evaluated: 2023-06-05. Review status: criteria provided, single submitter. Criteria: Invitae Variant Classification Sherloc (09022015). Collection method: clinical testing. Allele origin: germline.
Comment: This variant has not been reported in the literature in individuals affected with POLG-related conditions. This variant is present in population databases (no rsID available, gnomAD 0.01%). This sequence change creates a premature translational stop signal (p.Trp994Cysfs*12) in the POLG gene. It is expected to result in an absent or disrupted protein product. Loss-of-function variants in POLG are known to be pathogenic (PMID: 18546365). For these reasons, this variant has been classified as Pathogenic. Algorithms developed to predict the effect of sequence changes on RNA splicing suggest that this variant may disrupt the consensus splice site.

Literature cited by the submitters: PubMed 18546365.